The following is an entry in ClinVar:

ClinVar aggregate classification (germline): Uncertain significance. Review status: criteria provided, multiple submitters, no conflicts (2 of 4 stars). 2 submissions from 2 submitters: Uncertain significance (2). Last evaluated 2023-10-06.

Conditions:
Hereditary cancer-predisposing syndrome. Also called: Tumor predisposition; Hereditary Cancer Syndrome; Neoplastic Syndromes, Hereditary; Hereditary neoplastic syndrome. Identifiers: Orphanet 140162, MedGen C0027672, MeSH D009386, MONDO:0015356.

Submissions (2):

Blueprint Genetics
Classification: Uncertain significance. Last evaluated: 2023-10-06. Review status: criteria provided, single submitter. Criteria: ACMG Guidelines, 2015. Collection method: clinical testing. Allele origin: germline.

Ambry Genetics
Classification: Uncertain significance for Hereditary cancer-predisposing syndrome. Last evaluated: 2019-09-17. Review status: criteria provided, single submitter. Criteria: Ambry Variant Classification Scheme 2023. Collection method: clinical testing. Allele origin: germline.
Comment: The c.177_180delAACAinsG variant, located in coding exon 3 of the NBN gene, results from an in-frame deletion of AACA and insertion of G at nucleotide positions 177 to 180. This results in the deletion of the threonine residue at codon 60. This amino acid position is poorly conserved in available vertebrate species. Since supporting evidence is limited at this time, the clinical significance of this alteration remains unclear.

NM_002485.5(NBN):c.177_180delinsG (p.Thr60del)

Gene: NBN (nibrin; minus strand). Cytogenetic location: 8q21.3.
Variant type: Indel.
Coding change: c.177_180delinsG on transcript NM_002485.5 (MANE Select); coding-DNA positions 177 to 180, AACA replaced by G.
Protein change: p.Thr60del; deletes threonine 60.
Molecular consequence: inframe deletion. On other transcripts: 5 prime UTR variant (1).
Genome position (GRCh38, 1-based): chr8:89,981,515-89,981,518, TGTT replaced by C on the plus strand (AACA replaced by G on the coding strand, the reverse complement: NBN is on the minus strand). VCF-style: chr8-89981515-TGTT-C. GRCh37 (hg19) VCF-style: chr8-90993743-TGTT-C.
Other names: c.177_180delAACAinsG (NM_002485.4); c.-70_-67delinsG (NM_001024688.3); short protein forms T60del.
Identifiers: ClinVar variation 483979 (VCV000483979.6), dbSNP rs1554568419, ClinGen allele CA658657794.
Genomic context (GRCh38, chr8:89,981,515, plus strand): 5'-CTCATTAACAAAGGTACCATACTTAGAATTATCTTTTAATGTCAATACAGGGATTTCATC[TGTT>C]TGACTCTGAAAAGTTAGCAAATAATTTAAAGTCTTTTACCACTCAGTACATTCACTTCTC-3'